The following is an entry in ClinVar:

NM_000400.4(ERCC2):c.1119-3C>T

Gene: ERCC2 (ERCC excision repair 2, TFIIH core complex helicase subunit; minus strand). Cytogenetic location: 19q13.32.
Variant type: single nucleotide variant.
Coding change: c.1119-3C>T on transcript NM_000400.4 (MANE Select); 3 bases into the intron before coding-DNA position 1119, C replaced by T.
Molecular consequence: intron variant.
Genome position (GRCh38, 1-based): chr19:45,361,645, G>A on the plus strand (C>T on the coding strand, the complement: ERCC2 is on the minus strand). VCF-style: chr19-45361645-G-A. GRCh37 (hg19) VCF-style: chr19-45864903-G-A.
Other names: c.1047-3C>T (NM_001130867.2); c.1119-3C>T (NM_000400.3).
Identifiers: ClinVar variation 1424977 (VCV001424977.5), dbSNP rs41547016, ClinGen allele CA9513495.

ClinVar aggregate classification (germline): Uncertain significance. Review status: criteria provided, single submitter (1 of 4 stars). 2 submissions from 2 submitters: Uncertain significance (1). 1 of the submissions does not count toward it. Last evaluated 2022-08-17.

Conditions:
ERCC2-related disorder. Also called: ERCC2-related disorders; ERCC2-related conditions; ERCC2-related condition. Identifiers: MedGen CN239291.

Allele frequency attached by ClinVar (database versions not stated): gnomAD exomes 0.00006 and 0.00013; ExAC 0.00007; gnomAD 0.00011; TOPMed 0.00011; ESP Exome Variant Server 0.00015.
gnomAD v4.1: 207 of 1,609,690 alleles (0.013%); highest among the groups gnomAD compares: Non-Finnish European, 0.016%; no homozygotes.

Submissions (2):

Labcorp Genetics (formerly Invitae), Labcorp
Classification: Uncertain significance. Last evaluated: 2022-08-17. Review status: criteria provided, single submitter. Criteria: Invitae Variant Classification Sherloc (09022015). Collection method: clinical testing. Allele origin: germline.
Comment: This sequence change falls in intron 11 of the ERCC2 gene. It does not directly change the encoded amino acid sequence of the ERCC2 protein. It affects a nucleotide within the consensus splice site. This variant is present in population databases (rs41547016, gnomAD 0.01%). This variant has not been reported in the literature in individuals affected with ERCC2-related conditions. ClinVar contains an entry for this variant (Variation ID: 1424977). Variants that disrupt the consensus splice site are a relatively common cause of aberrant splicing (PMID: 17576681, 9536098). Algorithms developed to predict the effect of sequence changes on RNA splicing suggest that this variant is not likely to affect RNA splicing. In summary, the available evidence is currently insufficient to determine the role of this variant in disease. Therefore, it has been classified as a Variant of Uncertain Significance.

PreventionGenetics, part of Exact Sciences
Classification: Likely benign for ERCC2-related condition. Last evaluated: 2019-07-16. Review status: no assertion criteria provided. Collection method: clinical testing. Allele origin: germline. Not counted in ClinVar's aggregate classification.
Comment: This variant is classified as likely benign based on ACMG/AMP sequence variant interpretation guidelines (Richards et al. 2015 PMID: 25741868, with internal and published modifications).

Literature cited by the submitters: PubMed 17576681 (cited by Labcorp Genetics (formerly Invitae), Labcorp); PubMed 9536098 (cited by Labcorp Genetics (formerly Invitae), Labcorp).